The following is an entry in ClinVar:

NM_007294.4(BRCA1):c.2755C>A (p.Pro919Thr)

Gene: BRCA1 (BRCA1 DNA repair associated; minus strand). Cytogenetic location: 17q21.31.
Variant type: single nucleotide variant.
Coding change: c.2755C>A on transcript NM_007294.4 (MANE Select); coding-DNA position 2755, C replaced by A.
Protein change: p.Pro919Thr; replaces proline 919 with threonine.
Molecular consequence: missense variant. On other transcripts: intron variant (137).
Genome position (GRCh38, 1-based): chr17:43,092,776, G>T on the plus strand (C>A on the coding strand, the complement: BRCA1 is on the minus strand). VCF-style: chr17-43092776-G-T. GRCh37 (hg19) VCF-style: chr17-41244793-G-T.
Other names: c.710-1744C>A (NM_001408412.1, NM_001408409.1, NM_001408414.1 and 2 more transcripts); c.452-1744C>A (NM_001408509.1, NM_001408508.1); c.575-1744C>A (NM_001408491.1, NM_001408493.1, NM_001408490.1); c.461-1744C>A (NM_001408506.1, NM_001408507.1); c.578-1744C>A (NM_001408481.1, NM_001408480.1, NM_001408492.1 and 9 more transcripts); c.779-1744C>A (NM_001408408.1); c.662-1744C>A (NM_001408446.1, NM_001408435.1, NM_001408448.1 and 6 more transcripts); c.785-1744C>A (NM_001408401.1, NM_001408396.1, NM_001407985.1 and 13 more transcripts); and 41 more; short protein forms P623T, P751T, P791T, P792T, P807T, P808T, P830T, P831T.
Identifiers: ClinVar variation 4856565 (VCV004856565.1).

ClinVar aggregate classification (germline): Likely benign (1 of 4 stars; one submission).

Conditions:
Breast-ovarian cancer, familial, susceptibility to, 1 (BROVCA1). Also called: OVARIAN CANCER, SUSCEPTIBILITY TO; BRCA1 Hereditary Breast and Ovarian Cancer. Identifiers: Orphanet 145, MedGen C2676676, MONDO:0011450, OMIM 604370. Disease mechanism: loss of function.

gnomAD v4.1: 1 of 1,613,996 alleles (0.000062%); highest among the groups gnomAD compares: Non-Finnish European, 0.000085%; no homozygotes.

Submission:

Cancer Bioinformatics and Tumour Evolution Laboratory, Monash University
Classification: Likely benign for Breast-ovarian cancer, familial, susceptibility to, 1. Last evaluated: 2026-05-01. Review status: criteria provided, single submitter. Criteria: ClinGen BRCA1 and BRCA2 Guidelines, 2024. Collection method: curation. Allele origin: germline. Inheritance: Autosomal dominant inheritance.
Comment: Missense variant outside of a functional domain with no splice impact. BRCA1 and BRCA2 VCEP guidelines recommend application of BP1_Strong (PMID: 39142283)